The following is an entry in ClinVar:

NM_001267550.2(TTN):c.56572C>T (p.Arg18858Ter)

Genes: TTN (titin; minus strand), TTN-AS1 (TTN antisense RNA 1; plus strand). Cytogenetic location: 2q31.2.
Variant type: single nucleotide variant.
Coding change: c.56572C>T on transcript NM_001267550.2 (MANE Select); coding-DNA position 56572, C replaced by T.
Protein change: p.Arg18858Ter; replaces arginine 18858 with a stop codon.
Molecular consequence: nonsense.
Genome position (GRCh38, 1-based): chr2:178,599,221, G>A on the plus strand (C>T on the coding strand, the complement: TTN is on the minus strand). VCF-style: chr2-178599221-G-A. GRCh37 (hg19) VCF-style: chr2-179463948-G-A.
Other names: p.Arg17217*; c.56572C>T (NM_001267550.1); c.51649C>T, p.Arg17217Ter (NM_001256850.1); c.29377C>T, p.Arg9793Ter (NM_003319.4); c.48868C>T, p.Arg16290Ter (NM_133378.4); c.29752C>T, p.Arg9918Ter (NM_133432.3); c.29953C>T, p.Arg9985Ter (NM_133437.4); short protein forms R16290*, R9918*, R17217*, R18858*, R9793*, R9985*.
Identifiers: ClinVar variation 941144 (VCV000941144.37), dbSNP rs745376275, ClinGen allele CA1993228.

ClinVar aggregate classification (germline): Pathogenic/Likely pathogenic. Review status: criteria provided, multiple submitters, no conflicts (2 of 4 stars). 10 submissions from 10 submitters: Pathogenic (3); Likely pathogenic (5). 2 of the submissions do not count toward it. Last evaluated 2026-01-26.

Conditions:
Autosomal recessive limb-girdle muscular dystrophy type 2J (LGMDR10). Also called: Limb-girdle muscular dystrophy, type 2J; MUSCULAR DYSTROPHY, LIMB-GIRDLE, AUTOSOMAL RECESSIVE 10. Identifiers: Orphanet 140922, MedGen C1837342, MONDO:0012127, OMIM 608807.
Dilated cardiomyopathy 1G (CMD1G). Identifiers: Orphanet 154, MedGen C1858763, MONDO:0011400, OMIM 604145.
Hypertrophic cardiomyopathy 9. Also called: Familial hypertrophic cardiomyopathy 9. Identifiers: MedGen C1861065, MONDO:0013412, OMIM 613765.
Tibial muscular dystrophy (TMD). Also called: UDD MYOPATHY; Udd Distal Myopathy – Tibial Muscular Dystrophy; Tibial muscular dystrophy, tardive. Identifiers: Orphanet 609, MedGen C1838244, MONDO:0010870, OMIM 600334.
Early-onset myopathy with fatal cardiomyopathy (CMYO5). Also called: Salih Myopathy; CONGENITAL MYOPATHY 5 WITH CARDIOMYOPATHY. Identifiers: Orphanet 289377, MedGen C2673677, MONDO:0012714, OMIM 611705. Disease mechanism: loss of function.
Myopathy, myofibrillar, 9, with early respiratory failure (MFM9). Also called: MYOPATHY, PROXIMAL, WITH EARLY RESPIRATORY MUSCLE INVOLVEMENT; Hereditary myopathy with early respiratory failure; EDSTROM MYOPATHY; Myopathy, distal, with early respiratory failure, autosomal dominant. Identifiers: Orphanet 178464, Orphanet 34521, MedGen C1863599, MONDO:0011362, OMIM 603689.
Cardiovascular phenotype. Identifiers: MedGen CN230736.
Primary familial dilated cardiomyopathy (FDC). Also called: Familial dilated cardiomyopathy; Hypokinetic dilated cardiomyopathy, familial. Identifiers: Orphanet 217607, MedGen C0340427, MONDO:0016333.

Allele frequency attached by ClinVar (database versions not stated): gnomAD exomes below 0.00001 and 0.00001; TOPMed 0.00001; gnomAD 0.00002; ExAC 0.00003.
gnomAD v4.1: 8 of 1,529,092 alleles (0.00052%); highest among the groups gnomAD compares: Admixed American, 0.0022%; no homozygotes.

Submissions (10):

Labcorp Genetics (formerly Invitae), Labcorp
Classification: Pathogenic for Dilated cardiomyopathy 1G; Autosomal recessive limb-girdle muscular dystrophy type 2J. Last evaluated: 2026-01-26. Review status: criteria provided, single submitter. Criteria: Invitae Variant Classification Sherloc (09022015). Collection method: clinical testing. Allele origin: germline.
Comment: This sequence change creates a premature translational stop signal (p.Arg18858*) in the TTN gene. While this is not anticipated to result in nonsense mediated decay, it is expected to create a truncated TTN protein. The frequency data for this variant in the population databases is considered unreliable, as metrics indicate poor data quality at this position in the gnomAD database. This premature translational stop signal has been observed in individual(s) with autosomal dominant dilated cardiomyopathy and autosomal recessive congenital myopathy (PMID: 22335739, 27532257, 30109841, 38482259; internal data). In at least one individual the data is consistent with being in trans (on the opposite chromosome) from a pathogenic variant. This variant is also known as p.R9793X. ClinVar contains an entry for this variant (Variation ID: 941144). This variant is located in the A band of TTN (PMID: 25589632). Truncating variants in this region are significantly overrepresented in patients affected with dilated cardiomyopathy (PMID: 25589632). Truncating variants in this region have also been reported in individuals affected with autosomal recessive centronuclear myopathy (PMID: 23975875). For these reasons, this variant has been classified as Pathogenic.

Mayo Clinic Laboratories, Mayo Clinic
Classification: Likely pathogenic. Last evaluated: 2025-12-11. Review status: criteria provided, single submitter. Criteria: ACMG Guidelines, 2015. Collection method: clinical testing. Allele origin: germline. Observed: 1 variant allele.
Comment: PM2_supporting, PS4_moderate, PVS1

Institute of Immunology and Genetics Kaiserslautern
Classification: Pathogenic for Dilated cardiomyopathy 1G. Last evaluated: 2025-11-13. Review status: criteria provided, single submitter. Criteria: ACMG Guidelines, 2015. Collection method: clinical testing. Allele origin: germline. Affected: yes.
Comment: ACMG Criteria: PVS1, PM2, PP5; Variant was found in heterozygous state.

Ambry Genetics
Classification: Likely pathogenic for Cardiovascular phenotype. Last evaluated: 2025-10-29. Review status: criteria provided, single submitter. Criteria: Ambry Variant Classification Scheme 2023. Collection method: clinical testing. Allele origin: germline.
Comment: The p.R9793* variant (also known as c.29377C>T), located in coding exon 117 of the TTN gene, results from a C to T substitution at nucleotide position 29377. This changes the amino acid from an arginine to a stop codon within coding exon 117. This exon is located in the A-band region of the N2-B isoform of the titin protein and is constitutively expressed in TTN transcripts (percent spliced in or PSI 100%). This variant was reported in individual(s) with features consistent with dilated cardiomyopathy (Herman DS et al. N Engl J Med. 2012 Feb;366(7):619-28; Walsh R et al. Genet Med. 2017 02;19(2):192-203; Zhao Y et al. Signal Transduct Target Ther. 2023 Jun;8(1):226; Ambry internal data). Note, this variant is also referred to as p.R18858X (c.56572C>T) in the literature. This variant is expected to result in loss of function by premature protein truncation or nonsense-mediated mRNA decay. While truncating variants in TTN are present in 1-3% of the general population, truncating variants in the A-band are the most common cause of dilated cardiomyopathy (Herman DS et al. N. Engl. J. Med., 2012 Feb;366:619-28; Roberts AM et al. Sci Transl Med, 2015 Jan;7:270ra6). TTN truncating variants encoded in constitutive exons (PSI >90%) have been found to be significantly associated with DCM regardless of their position in titin (Schafer S et al. Nat. Genet., 2017 01;49:46-53; Akhtar MM et al. Circ Heart Fail, 2020 Oct;13:e006832; Massier M et al. Clin Genet, 2025 Jan). Based on the majority of available evidence to date, this variant is likely to be pathogenic.

Women's Health and Genetics/Laboratory Corporation of America, LabCorp
Classification: Likely pathogenic for Primary familial dilated cardiomyopathy. Last evaluated: 2023-02-20. Review status: criteria provided, single submitter. Criteria: LabCorp Variant Classification Summary - May 2015. Collection method: clinical testing. Allele origin: germline.
Comment: Variant summary: TTN c.48868C>T (p.Arg16290X) results in a premature termination codon, predicted to cause a truncation of the encoded protein or absence of the protein due to nonsense mediated decay, which are commonly known mechanisms for disease. Truncations downstream of this position have been classified as pathogenic by our laboratory. The variant allele was found at a frequency of 1.1e-05 in 185344 control chromosomes. c.48868C>T has been reported in the literature in individuals affected with Dilated Cardiomyopathy. To our knowledge, no experimental evidence demonstrating an impact on protein function has been reported. Four clinical diagnostic laboratories have submitted clinical-significance assessments for this variant to ClinVar after 2014 without evidence for independent evaluation. All laboratories classified the variant as likely pathogenic. Based on the evidence outlined above, the variant was classified as likely pathogenic.

GeneDx
Classification: Pathogenic. Last evaluated: 2022-10-07. Review status: criteria provided, single submitter. Criteria: GeneDx Variant Classification Process June 2021. Collection method: clinical testing. Allele origin: germline. Affected: yes.
Comment: Nonsense variant predicted to result in protein truncation or nonsense mediated decay in a gene for which loss of function is a known mechanism of disease; Located in the A-band region of TTN in which the majority of loss of function variants have been associated with autosomal dominant titinopathies (Herman et al., 2012); Not observed at significant frequency in large population cohorts (gnomAD); This variant is associated with the following publications: (PMID: 22335739, 27532257, 34758253, 30109841)

Fulgent Genetics
Classification: Likely pathogenic for Tibial muscular dystrophy; Myopathy, myofibrillar, 9, with early respiratory failure; Dilated cardiomyopathy 1G; Autosomal recessive limb-girdle muscular dystrophy type 2J; Early-onset myopathy with fatal cardiomyopathy; Hypertrophic cardiomyopathy 9. Last evaluated: 2021-07-02. Review status: criteria provided, single submitter. Criteria: ACMG Guidelines, 2015. Collection method: clinical testing. Allele origin: unknown.

Revvity Omics, Revvity
Classification: Likely pathogenic. Last evaluated: 2020-10-19. Review status: criteria provided, single submitter. Criteria: ACMG Guidelines, 2015. Collection method: clinical testing. Allele origin: germline.

deCODE genetics, Amgen
Classification: Likely pathogenic for Dilated cardiomyopathy 1G. Last evaluated: 2023-07-21. Review status: no assertion criteria provided. Collection method: research. Allele origin: germline. Affected: yes. Observed: 2 variant alleles. Not counted in ClinVar's aggregate classification.
Comment: The variant NM_001267550.2:c.56572C>T (chr2:178599221) in TTN was detected in 2 heterozygotes out of 58K WGS Icelanders (MAF= 0,002%). This variant has been reported in ClinVar previously as likely pathogenic. Based on ACMG criteria (PVS1, PM2) this variant classifies as likely pathogenic.

Genomics England Pilot Project, Genomics England
Classification: Likely pathogenic for Dilated cardiomyopathy 1G. Review status: no assertion criteria provided. Criteria: ACGS Guidelines, 2016. Collection method: clinical testing. Allele origin: germline. Affected: yes. Not counted in ClinVar's aggregate classification.

Literature cited by the submitters: PubMed 22335739 (cited by Labcorp Genetics (formerly Invitae), Labcorp and Ambry Genetics); PubMed 27532257 (cited by 4 submitters); PubMed 30109841 (cited by 3 submitters); PubMed 38482259 (cited by Labcorp Genetics (formerly Invitae), Labcorp and Mayo Clinic Laboratories, Mayo Clinic); PubMed 25589632 (cited by Labcorp Genetics (formerly Invitae), Labcorp); PubMed 23975875 (cited by Labcorp Genetics (formerly Invitae), Labcorp); PubMed 34758253 (cited by Mayo Clinic Laboratories, Mayo Clinic); PubMed 37342443 (cited by Mayo Clinic Laboratories, Mayo Clinic); PubMed 37652022 (cited by Mayo Clinic Laboratories, Mayo Clinic); PubMed 37291118 (cited by Ambry Genetics).